The following is an entry in ClinVar:

NM_004380.3(CREBBP):c.5956A>G (p.Thr1986Ala)

Gene: CREBBP (CREB binding lysine acetyltransferase; minus strand). Cytogenetic location: 16p13.3.
Variant type: single nucleotide variant.
Coding change: c.5956A>G on transcript NM_004380.3 (MANE Select); coding-DNA position 5956, A replaced by G.
Protein change: p.Thr1986Ala; replaces threonine 1986 with alanine.
Molecular consequence: missense variant.
Genome position (GRCh38, 1-based): chr16:3,729,091, T>C on the plus strand (A>G on the coding strand, the complement: CREBBP is on the minus strand). VCF-style: chr16-3729091-T-C. GRCh37 (hg19) VCF-style: chr16-3779092-T-C.
Other names: c.5842A>G, p.Thr1948Ala (NM_001079846.1); c.5956A>G (NM_004380.2); short protein forms T1948A, T1986A.
Identifiers: ClinVar variation 2182357 (VCV002182357.7), dbSNP rs1159180808, ClinGen allele CA394554840.
Genomic context (GRCh38, chr16:3,729,091, plus strand): 5'-TGGGTCGGGGCACATTCAGGCTCACGGGGGCCATCTGGCTCCCCGGGGTCCCCATGCCCG[T>C]GCGTCCTGGGGGCATGCTGTTGTTGATGTTCACCCGGTACAGGTGCTGCTGCTGCTGGGC-3'
Protein context (NP_004371.2, residues 1976-1996): NINNSMPPGR[Thr1986Ala]GMGTPGSQMA

ClinVar aggregate classification (germline): Conflicting classifications of pathogenicity. Review status: criteria provided, conflicting classifications (1 of 4 stars). 2 submissions from 2 submitters: Uncertain significance (1); Likely benign (1). Last evaluated 2025-07-01.

Conditions:
CREBBP-related disorder. Also called: CREBBP-related condition; CREBBP-related disorders.
Rubinstein-Taybi syndrome (RSTS). Identifiers: Orphanet 783, MedGen C0035934, MONDO:0019188.

Allele frequency attached by ClinVar (database versions not stated): gnomAD 0.00001; gnomAD exomes 0.00001; TOPMed 0.00001.
gnomAD v4.1: 8 of 1,584,550 alleles (0.0005%); highest among the groups gnomAD compares: Non-Finnish European, 0.0006%; no homozygotes.

Submissions (2):

PreventionGenetics, part of Exact Sciences
Classification: Uncertain significance for CREBBP-related condition. Last evaluated: 2025-07-01. Review status: criteria provided, single submitter. Criteria: ACMG Guidelines, 2015. Collection method: clinical testing. Allele origin: germline.
Comment: The CREBBP c.5956A>G variant is predicted to result in the amino acid substitution p.Thr1986Ala. To our knowledge, this variant has not been reported in the literature. This variant is reported in 0.0032% of alleles in individuals of European (Non-Finnish) descent in gnomAD and has been interpreted as likely benign in ClinVar. Although we suspect that this variant may be benign, at this time, the clinical significance of this variant is uncertain due to the absence of conclusive functional and genetic evidence.

Labcorp Genetics (formerly Invitae), Labcorp
Classification: Likely benign for Rubinstein-Taybi syndrome. Last evaluated: 2025-03-11. Review status: criteria provided, single submitter. Criteria: Invitae Variant Classification Sherloc (09022015). Collection method: clinical testing. Allele origin: germline.